The following is an entry in ClinVar:

NM_004944.4(DNASE1L3):c.671C>T (p.Thr224Met)

Gene: DNASE1L3 (deoxyribonuclease 1L3; minus strand). Cytogenetic location: 3p14.3.
Variant type: single nucleotide variant.
Coding change: c.671C>T on transcript NM_004944.4 (MANE Select); coding-DNA position 671, C replaced by T.
Protein change: p.Thr224Met; replaces threonine 224 with methionine.
Molecular consequence: missense variant.
Genome position (GRCh38, 1-based): chr3:58,197,854, G>A on the plus strand (C>T on the coding strand, the complement: DNASE1L3 is on the minus strand). VCF-style: chr3-58197854-G-A. GRCh37 (hg19) VCF-style: chr3-58183581-G-A.
Other names: c.581C>T, p.Thr194Met (NM_001256560.2); short protein forms T224M, T194M.
Identifiers: ClinVar variation 1485490 (VCV001485490.8), dbSNP rs769575190, ClinGen allele CA2469899.

ClinVar aggregate classification (germline): Uncertain significance. Review status: criteria provided, multiple submitters, no conflicts (2 of 4 stars). 5 submissions from 5 submitters: Uncertain significance (5). Last evaluated 2025-07-28.

Conditions:
Autosomal systemic lupus erythematosus type 16. Also called: Systemic lupus erythematosus 16. Identifiers: Orphanet 300345, MedGen C3280742, MONDO:0013743, OMIM 614420.

Allele frequency attached by ClinVar (database versions not stated): gnomAD 0.00009 and 0.00010; TOPMed 0.00014; ExAC 0.00027; gnomAD exomes 0.00029.
gnomAD v4.1: 112 of 1,614,042 alleles (0.0069%); highest among the groups gnomAD compares: Admixed American, 0.13%; no homozygotes.

Submissions (5):

Women's Health and Genetics/Laboratory Corporation of America, LabCorp
Classification: Uncertain significance. Last evaluated: 2025-07-28. Review status: criteria provided, single submitter. Criteria: LabCorp Variant Classification Summary - May 2015. Collection method: clinical testing. Allele origin: germline.
Comment: Variant summary: DNASE1L3 c.671C>T (p.Thr224Met) results in a non-conservative amino acid change in the encoded protein sequence. Algorithms developed to predict the effect of missense changes on protein structure and function are either unavailable or do not agree on the potential impact of this missense change. The variant allele was found at a frequency of 0.00029 in 251476 control chromosomes. This frequency is not significantly higher than estimated for a pathogenic variant in DNASE1L3 causing Autosomal systemic lupus erythematosus type 16 (0.00029 vs 0.0011), allowing no conclusion about variant significance. c.671C>T has been observed in an individual affected with Autosomal systemic lupus erythematosus type 16 (Almlf_2019). These data do not allow any conclusion about variant significance. To our knowledge, no experimental evidence demonstrating an impact on protein function has been reported. The following publication have been ascertained in the context of this evaluation (PMID: 30707351). ClinVar contains an entry for this variant (Variation ID: 1485490). Based on the evidence outlined above, the variant was classified as uncertain significance.

Blueprint Genetics
Classification: Uncertain significance. Last evaluated: 2024-10-31. Review status: criteria provided, single submitter. Criteria: ACMG Guidelines, 2015. Collection method: clinical testing. Allele origin: germline.

Fulgent Genetics
Classification: Uncertain significance for Autosomal systemic lupus erythematosus type 16. Last evaluated: 2024-04-22. Review status: criteria provided, single submitter. Criteria: ACMG Guidelines, 2015. Collection method: clinical testing. Allele origin: germline.

Labcorp Genetics (formerly Invitae), Labcorp
Classification: Uncertain significance. Last evaluated: 2022-09-20. Review status: criteria provided, single submitter. Criteria: Invitae Variant Classification Sherloc (09022015). Collection method: clinical testing. Allele origin: germline.
Comment: This sequence change replaces threonine, which is neutral and polar, with methionine, which is neutral and non-polar, at codon 224 of the DNASE1L3 protein (p.Thr224Met). This variant is present in population databases (rs769575190, gnomAD 0.2%). This missense change has been observed in individual(s) with clinical features of systemic lupus erythematosus (PMID: 30707351). ClinVar contains an entry for this variant (Variation ID: 1485490). Algorithms developed to predict the effect of missense changes on protein structure and function (SIFT, PolyPhen-2, Align-GVGD) all suggest that this variant is likely to be disruptive. In summary, the available evidence is currently insufficient to determine the role of this variant in disease. Therefore, it has been classified as a Variant of Uncertain Significance.

Breakthrough Genomics
Classification: Uncertain significance. Review status: criteria provided, single submitter. Criteria: ACMG Guidelines, 2015. Collection method: not provided. Allele origin: germline. Inheritance: Autosomal recessive inheritance. Affected: yes.

Literature cited by the submitters: PubMed 30707351 (cited by Women's Health and Genetics/Laboratory Corporation of America, LabCorp and Labcorp Genetics (formerly Invitae), Labcorp).